The following is an entry in ClinVar:

ClinVar aggregate classification (germline): Likely benign (1 of 4 stars; one submission).

Allele frequency attached by ClinVar (database versions not stated): gnomAD exomes below 0.00001.
gnomAD v4.1: 1 of 1,293,552 alleles (0.000077%); highest among the groups gnomAD compares: East Asian, 0.0029%; no homozygotes.

Submission:

CeGaT Center for Human Genetics Tuebingen
Classification: Likely benign. Last evaluated: 2022-09-01. Review status: criteria provided, single submitter. Criteria: CeGaT Center For Human Genetics Tuebingen Variant Classification Criteria Version 2. Collection method: clinical testing. Allele origin: germline. Affected: yes. Observed: 1 variant allele.
Comment: TRDN: PM2:Supporting, BP4, BP7

NM_006073.4(TRDN):c.1542A>G (p.Leu514=)

Gene: TRDN (triadin; minus strand). Cytogenetic location: 6q22.31.
Variant type: single nucleotide variant.
Coding change: c.1542A>G on transcript NM_006073.4 (MANE Select); coding-DNA position 1542, A replaced by G.
Protein change: p.Leu514=; no amino-acid change (leucine 514 retained).
Molecular consequence: synonymous variant.
Genome position (GRCh38, 1-based): chr6:123,278,343, T>C on the plus strand (A>G on the coding strand, the complement: TRDN is on the minus strand). VCF-style: chr6-123278343-T-C. GRCh37 (hg19) VCF-style: chr6-123599488-T-C.
Identifiers: ClinVar variation 2656897 (VCV002656897.24), dbSNP rs2533571487, ClinGen allele CA452054835.